The following is an entry in ClinVar:

ClinVar aggregate classification (germline): Likely benign (1 of 4 stars; one submission).

Submission:

CeGaT Center for Human Genetics Tuebingen
Classification: Likely benign. Last evaluated: 2023-08-01. Review status: criteria provided, single submitter. Criteria: CeGaT Center For Human Genetics Tuebingen Variant Classification Criteria Version 2. Collection method: clinical testing. Allele origin: germline. Affected: yes. Observed: 1 variant allele.
Comment: FLT4: PM2:Supporting, BP4, BP7

NM_182925.5(FLT4):c.3532C>T (p.Leu1178=)

Gene: FLT4 (fms related receptor tyrosine kinase 4; minus strand). Cytogenetic location: 5q35.3.
Variant type: single nucleotide variant.
Coding change: c.3532C>T on transcript NM_182925.5 (MANE Select); coding-DNA position 3532, C replaced by T.
Protein change: p.Leu1178=; no amino-acid change (leucine 1178 retained).
Molecular consequence: synonymous variant.
Genome position (GRCh38, 1-based): chr5:180,612,511, G>A on the plus strand (C>T on the coding strand, the complement: FLT4 is on the minus strand). VCF-style: chr5-180612511-G-A. GRCh37 (hg19) VCF-style: chr5-180039511-G-A.
Other names: c.3532C>T, p.Leu1178= (NM_001354989.2, NM_002020.5).
Identifiers: ClinVar variation 2656152 (VCV002656152.24), dbSNP rs2127794030, ClinGen allele CA448101588.